The following is an entry in ClinVar:

ClinVar aggregate classification (germline): Uncertain significance (1 of 4 stars; one submission).

gnomAD v4.1: 7 of 1,613,834 alleles (0.00043%); highest among the groups gnomAD compares: East Asian, 0.016%; no homozygotes.

Submission:

Labcorp Genetics (formerly Invitae), Labcorp
Classification: Uncertain significance. Last evaluated: 2025-03-12. Review status: criteria provided, single submitter. Criteria: Invitae Variant Classification Sherloc (09022015). Collection method: clinical testing. Allele origin: germline.
Comment: This sequence change replaces leucine, which is neutral and non-polar, with valine, which is neutral and non-polar, at codon 181 of the PRPF3 protein (p.Leu181Val). This variant is not present in population databases (gnomAD no frequency). This variant has not been reported in the literature in individuals affected with PRPF3-related conditions. Invitae Evidence Modeling of protein sequence and biophysical properties (such as structural, functional, and spatial information, amino acid conservation, physicochemical variation, residue mobility, and thermodynamic stability) indicates that this missense variant is not expected to disrupt PRPF3 protein function with a negative predictive value of 95%. In summary, the available evidence is currently insufficient to determine the role of this variant in disease. Therefore, it has been classified as a Variant of Uncertain Significance.

NM_004698.4(PRPF3):c.541C>G (p.Leu181Val)

Gene: PRPF3 (pre-mRNA processing factor 3; plus strand). Cytogenetic location: 1q21.2.
Variant type: single nucleotide variant.
Coding change: c.541C>G on transcript NM_004698.4 (MANE Select); coding-DNA position 541, C replaced by G.
Protein change: p.Leu181Val; replaces leucine 181 with valine.
Molecular consequence: missense variant. On other transcripts: non-coding transcript variant (4).
Genome position (GRCh38, 1-based): chr1:150,333,012, C>G. VCF-style: chr1-150333012-C-G. GRCh37 (hg19) VCF-style: chr1-150305483-C-G.
Other names: c.136C>G, p.Leu46Val (NM_001350529.1); short protein forms L181V, L46V.
Identifiers: ClinVar variation 4709853 (VCV004709853.1).